The following is an entry in ClinVar:

NM_032136.5(TKTL2):c.1344T>C (p.Thr448=)

Gene: TKTL2 (transketolase like 2; minus strand). Cytogenetic location: 4q32.2.
Variant type: single nucleotide variant.
Coding change: c.1344T>C on transcript NM_032136.5 (MANE Select); coding-DNA position 1344, T replaced by C.
Protein change: p.Thr448=; no amino-acid change (threonine 448 retained).
Molecular consequence: synonymous variant.
Genome position (GRCh38, 1-based): chr4:163,472,391, A>G on the plus strand (T>C on the coding strand, the complement: TKTL2 is on the minus strand). VCF-style: chr4-163472391-A-G. GRCh37 (hg19) VCF-style: chr4-164393543-A-G.
Identifiers: ClinVar variation 2655166 (VCV002655166.24), dbSNP rs114733407, ClinGen allele CA3126987.

ClinVar aggregate classification (germline): Likely benign (1 of 4 stars; one submission).

Allele frequency attached by ClinVar (database versions not stated): gnomAD exomes 0.00086; ExAC 0.00155; gnomAD 0.00165; ESP Exome Variant Server 0.00169; 1000 Genomes Project 30x 0.00187; TOPMed 0.00194; 1000 Genomes Project 0.00200.

Submission:

CeGaT Center for Human Genetics Tuebingen
Classification: Likely benign. Last evaluated: 2022-12-01. Review status: criteria provided, single submitter. Criteria: CeGaT Center For Human Genetics Tuebingen Variant Classification Criteria Version 2. Collection method: clinical testing. Allele origin: germline. Affected: yes. Observed: 1 variant allele.
Comment: TKTL2: BP4, BP7, BS2